The following is an entry in ClinVar:

NM_003190.5(TAPBP):c.876del (p.Val294fs)

Gene: TAPBP (TAP binding protein; minus strand). Cytogenetic location: 6p21.32.
Variant type: Deletion.
Coding change: c.876del on transcript NM_003190.5 (MANE Select); coding-DNA position 876, one base deleted (C; older notation c.876delC).
Protein change: p.Val294fs; shifts the reading frame from valine 294.
Molecular consequence: frameshift variant.
Genome position (GRCh38, 1-based): chr6:33,304,631, G deleted on the plus strand (C on the coding strand, the reverse complement: TAPBP is on the minus strand); the first of 6 consecutive G bases (chr6:33,304,631-33,304,636); deleting any one gives the same sequence. VCF-style (leftmost placement, unchanged base first): chr6-33304630-TG-T. GRCh37 (hg19) VCF-style: chr6-33272407-TG-T.
Other names: c.876del, p.Val294fs (NM_001410875.1, NM_172208.3); c.615del, p.Val207fs (NM_172209.3); short protein forms V207fs, V294fs.
Identifiers: ClinVar variation 4747617 (VCV004747617.1).
Genomic context (GRCh38, chr6:33,304,630, plus strand): 5'-ATTCCGGGGGTGCCTCCCCTGGGGCGGCCCGTGCAAGGGTTGCTGGCATCAGGGACACTT[TG>T]GGGGGTTCTGGGGAAAGAGGACGAAATGAGCATAGGGAAATCAGTCCATACTGTCCTCCC-3'

ClinVar aggregate classification (germline): Uncertain significance (1 of 4 stars; one submission).

Conditions:
MHC class I deficiency. Identifiers: Orphanet 34592, MedGen C6024714, MONDO:0011476.

Submission:

Labcorp Genetics (formerly Invitae), Labcorp
Classification: Uncertain significance for MHC class I deficiency 1. Last evaluated: 2025-10-26. Review status: criteria provided, single submitter. Criteria: Invitae Variant Classification Sherloc (09022015). Collection method: clinical testing. Allele origin: germline.
Comment: This sequence change creates a premature translational stop signal (p.Val294Cysfs*3) in the TAPBP gene. It is expected to result in an absent or disrupted protein product. However, the current clinical and genetic evidence is not sufficient to establish whether loss-of-function variants in TAPBP cause disease. This variant is present in population databases (rs760965881, gnomAD 0.01%). This variant has not been reported in the literature in individuals affected with TAPBP-related conditions. In summary, the available evidence is currently insufficient to determine the role of this variant in disease. Therefore, it has been classified as a Variant of Uncertain Significance.